The following is an entry in ClinVar:

NM_001042681.2(RERE):c.1028T>C (p.Met343Thr)

Gene: RERE (arginine-glutamic acid dipeptide repeats; minus strand). Cytogenetic location: 1p36.23.
Variant type: single nucleotide variant.
Coding change: c.1028T>C on transcript NM_001042681.2 (MANE Select); coding-DNA position 1028, T replaced by C.
Protein change: p.Met343Thr; replaces methionine 343 with threonine.
Molecular consequence: missense variant.
Genome position (GRCh38, 1-based): chr1:8,495,139, A>G on the plus strand (T>C on the coding strand, the complement: RERE is on the minus strand). VCF-style: chr1-8495139-A-G. GRCh37 (hg19) VCF-style: chr1-8555199-A-G.
Other names: c.1028T>C, p.Met343Thr (NM_012102.4); short protein forms M343T.
Identifiers: ClinVar variation 3670046 (VCV003670046.4).

ClinVar aggregate classification (germline): Uncertain significance. Review status: criteria provided, multiple submitters, no conflicts (2 of 4 stars). 2 submissions from 2 submitters: Uncertain significance (2). Last evaluated 2026-04-01.

Submissions (2):

CeGaT Center for Human Genetics Tuebingen
Classification: Uncertain significance. Last evaluated: 2026-04-01. Review status: criteria provided, single submitter. Criteria: CeGaT Center For Human Genetics Tuebingen Variant Classification Criteria Version 2. Collection method: clinical testing. Allele origin: germline. Affected: yes. Observed: 1 variant allele.
Comment: RERE: PM2, BP5

Labcorp Genetics (formerly Invitae), Labcorp
Classification: Uncertain significance. Last evaluated: 2025-01-01. Review status: criteria provided, single submitter. Criteria: Invitae Variant Classification Sherloc (09022015). Collection method: clinical testing. Allele origin: germline.
Comment: This sequence change replaces methionine, which is neutral and non-polar, with threonine, which is neutral and polar, at codon 343 of the RERE protein (p.Met343Thr). This variant is not present in population databases (gnomAD no frequency). This variant has not been reported in the literature in individuals affected with RERE-related conditions. Invitae Evidence Modeling of protein sequence and biophysical properties (such as structural, functional, and spatial information, amino acid conservation, physicochemical variation, residue mobility, and thermodynamic stability) has been performed for this missense variant. However, the output from this modeling did not meet the statistical confidence thresholds required to predict the impact of this variant on RERE protein function. In summary, the available evidence is currently insufficient to determine the role of this variant in disease. Therefore, it has been classified as a Variant of Uncertain Significance.